The following is an entry in ClinVar:

ClinVar aggregate classification (germline): Benign. Review status: criteria provided, multiple submitters, no conflicts (2 of 4 stars). 5 submissions from 5 submitters: Benign (5). Last evaluated 2021-07-30.

Conditions:
Autosomal dominant limb-girdle muscular dystrophy type 1D (DNAJB6) (LGMDD1). Also called: MUSCULAR DYSTROPHY, LIMB-GIRDLE, TYPE 1D; MUSCULAR DYSTROPHY, AUTOSOMAL DOMINANT, WITH RIMMED VACUOLES; Autosomal dominant limb-girdle muscular dystrophy type 1D; Muscular dystrophy, limb-girdle, autosomal dominant 1. Identifiers: Orphanet 34516, MedGen C4721885, MONDO:0021018, OMIM 603511.

Allele frequency attached by ClinVar (database versions not stated): ESP Exome Variant Server 0.53421; gnomAD 0.54438 and 0.54801; TOPMed 0.54813; 1000 Genomes Project 30x 0.56168; 1000 Genomes Project 0.56909; gnomAD exomes 0.57338 and 0.57755; ExAC 0.57343.
gnomAD v4.1: 911,216 of 1,596,402 alleles (57%); highest among the groups gnomAD compares: East Asian, 75%; 262,231 homozygotes.

Submissions (5):

Genome-Nilou Lab
Classification: Benign for Autosomal dominant limb-girdle muscular dystrophy type 1D (DNAJB6). Last evaluated: 2021-07-30. Review status: criteria provided, single submitter. Criteria: ACMG Guidelines, 2015. Collection method: clinical testing. Allele origin: germline. Affected: no.

Illumina Laboratory Services, Illumina
Classification: Benign for Autosomal dominant limb-girdle muscular dystrophy type 1D (DNAJB6). Last evaluated: 2018-01-13. Review status: criteria provided, single submitter. Criteria: ICSL Variant Classification Criteria 13 December 2019. Collection method: clinical testing. Allele origin: germline.
Comment: This variant was observed in the ICSL laboratory as part of a predisposition screen in an ostensibly healthy population. It had not been previously curated by ICSL or reported in the Human Gene Mutation Database (HGMD: prior to June 1st, 2018), and was therefore a candidate for classification through an automated scoring system. Utilizing variant allele frequency, disease prevalence and penetrance estimates, and inheritance mode, an automated score was calculated to assess if this variant is too frequent to cause the disease. Based on the score and internal cut-off values, a variant classified as benign is not then subjected to further curation. The score for this variant resulted in a classification of benign for this disease.

GeneDx
Classification: Benign. Last evaluated: 2016-01-19. Review status: criteria provided, single submitter. Criteria: GeneDx Variant Classification (06012015). Collection method: clinical testing. Allele origin: germline. Affected: yes.
Comment: This variant is considered likely benign or benign based on one or more of the following criteria: it is a conservative change, it occurs at a poorly conserved position in the protein, it is predicted to be benign by multiple in silico algorithms, and/or has population frequency not consistent with disease.

Breakthrough Genomics
Classification: Benign. Review status: criteria provided, single submitter. Criteria: ACMG Guidelines, 2015. Collection method: not provided. Allele origin: germline. Inheritance: Autosomal dominant inheritance. Affected: yes.

PreventionGenetics, part of Exact Sciences
Classification: Benign. Review status: criteria provided, single submitter. Criteria: ACMG Guidelines, 2015. Collection method: clinical testing. Allele origin: germline.

NM_058246.4(DNAJB6):c.-26-7C>T

Gene: DNAJB6 (DnaJ heat shock protein family (Hsp40) member B6; plus strand). Cytogenetic location: 7q36.3.
Variant type: single nucleotide variant.
Coding change: c.-26-7C>T on transcript NM_058246.4 (MANE Select); 7 bases into the intron before 26 bases upstream of the start codon, C replaced by T.
Molecular consequence: intron variant.
Genome position (GRCh38, 1-based): chr7:157,358,540, C>T. VCF-style: chr7-157358540-C-T. GRCh37 (hg19) VCF-style: chr7-157151234-C-T.
Other names: c.-26-7C>T (NM_001363676.1, NM_005494.3).
Identifiers: ClinVar variation 262304 (VCV000262304.11), dbSNP rs3802100, ClinGen allele CA4590308.
Genomic context (GRCh38, chr7:157,358,540, plus strand): 5'-CCATCCCACCACCGTGATTTGCCCATCCCCAGCAGCCTCATCACTGACCACCTGTTTTTA[C>T]TTGCAGGACCCATTCCAACAATCTCGTAAAACATGGTGGATTACTATGAAGTTCTAGGCG-3'